The following is an entry in ClinVar:

ClinVar aggregate classification (germline): Uncertain significance (1 of 4 stars; one submission).

Conditions:
Congenital myasthenic syndrome 8. Also called: Myasthenic syndrome, congenital, 8, with pre- and postsynaptic defects; MYASTHENIC SYNDROME, CONGENITAL, DUE TO AGRIN DEFICIENCY. Identifiers: Orphanet 590, MedGen C3808739, MONDO:0014052, OMIM 615120.

gnomAD v4.1: 3 of 1,609,118 alleles (0.00019%); highest among the groups gnomAD compares: Admixed American, 0.0033%; no homozygotes.

Submission:

Labcorp Genetics (formerly Invitae), Labcorp
Classification: Uncertain significance for Congenital myasthenic syndrome 8. Last evaluated: 2023-12-11. Review status: criteria provided, single submitter. Criteria: Invitae Variant Classification Sherloc (09022015). Collection method: clinical testing. Allele origin: germline.
Comment: This sequence change replaces glycine, which is neutral and non-polar, with arginine, which is basic and polar, at codon 636 of the AGRN protein (p.Gly636Arg). This variant is present in population databases (no rsID available, gnomAD 0.003%). This variant has not been reported in the literature in individuals affected with AGRN-related conditions. ClinVar contains an entry for this variant (Variation ID: 1941949). An algorithm developed to predict the effect of missense changes on protein structure and function (PolyPhen-2) suggests that this variant is likely to be disruptive. In summary, the available evidence is currently insufficient to determine the role of this variant in disease. Therefore, it has been classified as a Variant of Uncertain Significance.

NM_198576.4(AGRN):c.1906G>C (p.Gly636Arg)

Gene: AGRN (agrin; plus strand). Cytogenetic location: 1p36.33.
Variant type: single nucleotide variant.
Coding change: c.1906G>C on transcript NM_198576.4 (MANE Select); coding-DNA position 1906, G replaced by C.
Protein change: p.Gly636Arg; replaces glycine 636 with arginine.
Molecular consequence: missense variant.
Genome position (GRCh38, 1-based): chr1:1,043,930, G>C. VCF-style: chr1-1043930-G-C. GRCh37 (hg19) VCF-style: chr1-979310-G-C.
Other names: c.1906G>C, p.Gly636Arg (NM_001305275.2); c.1591G>C, p.Gly531Arg (NM_001364727.2); short protein forms G531R, G636R.
Identifiers: ClinVar variation 1941949 (VCV001941949.5), dbSNP rs1042435801, ClinGen allele CA337835149.
Genomic context (GRCh38, chr1:1,043,930, plus strand): 5'-GGGCAGTGTGTGTGTCCCCGGTGTGAGCACCCCCCGCCCGGCCCCGTGTGTGGCAGCGAC[G>C]GTGTCACCTACGGCAGTGCCTGCGAGCTACGGGAAGCCGCCTGCCTCCAGCAGACACAGA-3'
Protein context (NP_940978.2, residues 626-646): PPPGPVCGSD[Gly636Arg]VTYGSACELR